The following is an entry in ClinVar:

ClinVar aggregate classification (germline): Uncertain significance (1 of 4 stars; one submission).

Conditions:
Spermatogenic failure 18. Identifiers: MedGen C4539783, MONDO:0054615, OMIM 617576.
Ciliary dyskinesia, primary, 37 (CILD37). Also called: CILIARY DYSKINESIA, PRIMARY, 37, WITH OR WITHOUT SITUS INVERSUS. Identifiers: MedGen C4539798, MONDO:0033204, OMIM 617577.

Allele frequency attached by ClinVar (database versions not stated): gnomAD exomes below 0.00001.
gnomAD v4.1: 2 of 1,599,962 alleles (0.00013%); highest among the groups gnomAD compares: Non-Finnish European, 0.000085%; no homozygotes.

Submission:

Labcorp Genetics (formerly Invitae), Labcorp
Classification: Uncertain significance for Ciliary dyskinesia, primary, 37; Spermatogenic failure 18. Last evaluated: 2023-08-17. Review status: criteria provided, single submitter. Criteria: Invitae Variant Classification Sherloc (09022015). Collection method: clinical testing. Allele origin: germline.
Comment: An algorithm developed to predict the effect of missense changes on protein structure and function (PolyPhen-2) suggests that this variant is likely to be tolerated. In summary, the available evidence is currently insufficient to determine the role of this variant in disease. Therefore, it has been classified as a Variant of Uncertain Significance. ClinVar contains an entry for this variant (Variation ID: 2168810). This sequence change replaces leucine, which is neutral and non-polar, with arginine, which is basic and polar, at codon 298 of the DNAH1 protein (p.Leu298Arg). This variant is not present in population databases (gnomAD no frequency). This variant has not been reported in the literature in individuals affected with DNAH1-related conditions.

NM_015512.5(DNAH1):c.893T>G (p.Leu298Arg)

Gene: DNAH1 (dynein axonemal heavy chain 1; plus strand). Cytogenetic location: 3p21.1.
Variant type: single nucleotide variant.
Coding change: c.893T>G on transcript NM_015512.5 (MANE Select); coding-DNA position 893, T replaced by G.
Protein change: p.Leu298Arg; replaces leucine 298 with arginine.
Molecular consequence: missense variant.
Genome position (GRCh38, 1-based): chr3:52,331,169, T>G. VCF-style: chr3-52331169-T-G. GRCh37 (hg19) VCF-style: chr3-52365185-T-G.
Other names: short protein forms L298R.
Identifiers: ClinVar variation 2168810 (VCV002168810.4), dbSNP rs2471140749, ClinGen allele CA353078326.